The following is an entry in ClinVar:

ClinVar aggregate classification (germline): Uncertain significance (1 of 4 stars; one submission).

Conditions:
Charcot-Marie-Tooth disease type 1C. Also called: Charcot-Marie-Tooth disease, type IC; HMSN IC; CHARCOT-MARIE-TOOTH NEUROPATHY, TYPE 1C; NEUROPATHY, HEREDITARY MOTOR AND SENSORY, TYPE IC; CHARCOT-MARIE-TOOTH DISEASE, DEMYELINATING, TYPE 1C; CMT, SLOW NERVE CONDUCTION TYPE C. Identifiers: Orphanet 101083, MedGen C0270913, MONDO:0010995, OMIM 601098.

Submission:

Labcorp Genetics (formerly Invitae), Labcorp
Classification: Uncertain significance for Charcot-Marie-Tooth disease type 1C. Last evaluated: 2021-12-18. Review status: criteria provided, single submitter. Criteria: Invitae Variant Classification Sherloc (09022015). Collection method: clinical testing. Allele origin: germline.
Comment: In summary, the available evidence is currently insufficient to determine the role of this variant in disease. Therefore, it has been classified as a Variant of Uncertain Significance. Algorithms developed to predict the effect of missense changes on protein structure and function are either unavailable or do not agree on the potential impact of this missense change (SIFT: "Deleterious"; PolyPhen-2: "Probably Damaging"; Align-GVGD: "Class C0"). This variant has not been reported in the literature in individuals affected with LITAF-related conditions. This variant is not present in population databases (gnomAD no frequency). This sequence change replaces cysteine, which is neutral and slightly polar, with tyrosine, which is neutral and polar, at codon 131 of the LITAF protein (p.Cys131Tyr).

NM_001136472.2(LITAF):c.392G>A (p.Cys131Tyr)

Gene: LITAF (lipopolysaccharide induced TNF factor; minus strand). Cytogenetic location: 16p13.13.
Variant type: single nucleotide variant.
Coding change: c.392G>A on transcript NM_001136472.2 (MANE Select); coding-DNA position 392, G replaced by A.
Protein change: p.Cys131Tyr; replaces cysteine 131 with tyrosine.
Molecular consequence: missense variant. On other transcripts: 3 prime UTR variant (1), non-coding transcript variant (1).
Genome position (GRCh38, 1-based): chr16:11,549,731, C>T on the plus strand (G>A on the coding strand, the complement: LITAF is on the minus strand). VCF-style: chr16-11549731-C-T. GRCh37 (hg19) VCF-style: chr16-11643587-C-T.
Other names: c.*31G>A (NM_001136473.1); c.392G>A, p.Cys131Tyr (NM_004862.4); short protein forms C131Y.
Identifiers: ClinVar variation 2044881 (VCV002044881.4), dbSNP rs2506543486, ClinGen allele CA394763640.